The following is an entry in ClinVar:

NM_024675.4(PALB2):c.1901C>T (p.Pro634Leu)

Gene: PALB2 (partner and localizer of BRCA2; minus strand). Cytogenetic location: 16p12.2.
Variant type: single nucleotide variant.
Coding change: c.1901C>T on transcript NM_024675.4 (MANE Select); coding-DNA position 1901, C replaced by T.
Protein change: p.Pro634Leu; replaces proline 634 with leucine.
Molecular consequence: missense variant. On other transcripts: intron variant (1).
Genome position (GRCh38, 1-based): chr16:23,630,253, G>A on the plus strand (C>T on the coding strand, the complement: PALB2 is on the minus strand). VCF-style: chr16-23630253-G-A. GRCh37 (hg19) VCF-style: chr16-23641574-G-A.
Other names: c.1841C>T, p.Pro614Leu (NM_001407296.1); c.1901C>T, p.Pro634Leu (NM_001407297.1, NM_001407298.1, NM_001407299.1 and 3 more transcripts); c.1016C>T, p.Pro339Leu (NM_001407304.1, NM_001407305.1, NM_001407306.1 and 5 more transcripts); c.113C>T, p.Pro38Leu (NM_001407312.1, NM_001407313.1); c.49-978C>T (NM_001407314.1); short protein forms P38L, P614L, P339L, P634L.
Identifiers: ClinVar variation 2795315 (VCV002795315.3), dbSNP rs761829458, ClinGen allele CA7963649.
Genomic context (GRCh38, chr16:23,630,253, plus strand): 5'-ATACAGCTTCCCTCTTTAAGATGTCTCTCTCCAAACATTTTTGACTCAAAGGGCTCCACT[G>A]GTTTTTCTGAGCAGGACTTCACTTTTTCAAGCTTAAGAGGTCCAAAGTCTTCATCAGGTA-3'
Protein context (NP_078951.2, residues 624-644): LEKVKSCSEK[Pro634Leu]VEPFESKMFG

ClinVar aggregate classification (germline): Uncertain significance (1 of 4 stars; one submission).

Conditions:
Familial cancer of breast. Also called: BREAST CANCER, FAMILIAL; Hereditary breast cancer; hereditary breast carcinoma. Identifiers: Orphanet 227535, MedGen C0346153, MONDO:0016419, OMIM 114480. Disease mechanism: loss of function.

Allele frequency attached by ClinVar (database versions not stated): gnomAD exomes below 0.00001; ExAC 0.00001.
gnomAD v4.1: 1 of 1,614,126 alleles (0.000062%); highest among the groups gnomAD compares: Non-Finnish European, 0.000085%; no homozygotes.

Submission:

Labcorp Genetics (formerly Invitae), Labcorp
Classification: Uncertain significance for Familial cancer of breast. Last evaluated: 2023-12-19. Review status: criteria provided, single submitter. Criteria: Invitae Variant Classification Sherloc (09022015). Collection method: clinical testing. Allele origin: germline.
Comment: This sequence change replaces proline, which is neutral and non-polar, with leucine, which is neutral and non-polar, at codon 634 of the PALB2 protein (p.Pro634Leu). This variant is present in population databases (rs761829458, gnomAD 0.0009%). This variant has not been reported in the literature in individuals affected with PALB2-related conditions. Advanced modeling of protein sequence and biophysical properties (such as structural, functional, and spatial information, amino acid conservation, physicochemical variation, residue mobility, and thermodynamic stability) performed at Invitae indicates that this missense variant is not expected to disrupt PALB2 protein function with a negative predictive value of 80%. In summary, the available evidence is currently insufficient to determine the role of this variant in disease. Therefore, it has been classified as a Variant of Uncertain Significance.